The following is an entry in ClinVar:

ClinVar aggregate classification (germline): Uncertain significance (1 of 4 stars; one submission).

Conditions:
Dilated cardiomyopathy 1G (CMD1G). Identifiers: Orphanet 154, MedGen C1858763, MONDO:0011400, OMIM 604145.
Autosomal recessive limb-girdle muscular dystrophy type 2J (LGMDR10). Also called: Limb-girdle muscular dystrophy, type 2J; MUSCULAR DYSTROPHY, LIMB-GIRDLE, AUTOSOMAL RECESSIVE 10. Identifiers: Orphanet 140922, MedGen C1837342, MONDO:0012127, OMIM 608807.

Allele frequency attached by ClinVar (database versions not stated): gnomAD exomes below 0.00001; TOPMed below 0.00001.
gnomAD v4.1: 1 of 1,613,338 alleles (0.000062%); highest among the groups gnomAD compares: Non-Finnish European, 0.000085%; no homozygotes.

Submission:

Labcorp Genetics (formerly Invitae), Labcorp
Classification: Uncertain significance for Dilated cardiomyopathy 1G; Autosomal recessive limb-girdle muscular dystrophy type 2J. Last evaluated: 2022-04-02. Review status: criteria provided, single submitter. Criteria: Invitae Variant Classification Sherloc (09022015). Collection method: clinical testing. Allele origin: germline.
Comment: ClinVar contains an entry for this variant (Variation ID: 952665). This variant has not been reported in the literature in individuals affected with TTN-related conditions. This variant is not present in population databases (gnomAD no frequency). This sequence change replaces lysine, which is basic and polar, with arginine, which is basic and polar, at codon 35442 of the TTN protein (p.Lys35442Arg). Experimental studies and prediction algorithms are not available or were not evaluated, and the functional significance of this variant is currently unknown. In summary, the available evidence is currently insufficient to determine the role of this variant in disease. Therefore, it has been classified as a Variant of Uncertain Significance. This variant is located in the M band of TTN (PMID: 25589632). Variants in this region may be relevant for neuromuscular disorders, but have not been definitively shown to cause cardiomyopathy (PMID: 23975875).

Literature cited by the submitters: PubMed 25589632; PubMed 23975875.

NM_001267550.2(TTN):c.106325A>G (p.Lys35442Arg)

Genes: TTN-AS1 (TTN antisense RNA 1; plus strand), TTN (titin; minus strand). Cytogenetic location: 2q31.2.
Variant type: single nucleotide variant.
Coding change: c.106325A>G on transcript NM_001267550.2 (MANE Select); coding-DNA position 106325, A replaced by G.
Protein change: p.Lys35442Arg; replaces lysine 35442 with arginine.
Molecular consequence: missense variant.
Genome position (GRCh38, 1-based): chr2:178,530,290, T>C on the plus strand (A>G on the coding strand, the complement: TTN is on the minus strand). VCF-style: chr2-178530290-T-C. GRCh37 (hg19) VCF-style: chr2-179395017-T-C.
Other names: c.101402A>G, p.Lys33801Arg (NM_001256850.1); c.79130A>G, p.Lys26377Arg (NM_003319.4); c.98621A>G, p.Lys32874Arg (NM_133378.4); c.79505A>G, p.Lys26502Arg (NM_133432.3); c.79706A>G, p.Lys26569Arg (NM_133437.4); short protein forms K26502R, K32874R, K33801R, K26377R, K35442R, K26569R.
Identifiers: ClinVar variation 952665 (VCV000952665.10), dbSNP rs1688520726, ClinGen allele CA349406075.
Genomic context (GRCh38, chr2:178,530,290, plus strand): 5'-GAACTGGTTACCTTTCCATCTTTTGTCCAGATGGCAGTTGGCCGGGGTTCTCCAGTAGCC[T>C]TAACTGCAAATTTAGCAACACTGTCTGAAGAAACAGTTGTATCCTGCAACCCAGTAACAA-3'
Protein context (NP_001254479.2, residues 35432-35452): SSDSVAKFAV[Lys35442Arg]ATGEPRPTAI